The following is an entry in ClinVar:

NM_001111067.4(ACVR1):c.1350G>A (p.Val450=)

Gene: ACVR1 (activin A receptor type 1; minus strand). Cytogenetic location: 2q24.1.
Variant type: single nucleotide variant.
Coding change: c.1350G>A on transcript NM_001111067.4 (MANE Select); coding-DNA position 1350, G replaced by A.
Protein change: p.Val450=; no amino-acid change (valine 450 retained).
Molecular consequence: synonymous variant.
Genome position (GRCh38, 1-based): chr2:157,738,485, C>T on the plus strand (G>A on the coding strand, the complement: ACVR1 is on the minus strand). VCF-style: chr2-157738485-C-T. GRCh37 (hg19) VCF-style: chr2-158594997-C-T.
Other names: c.1350G>A, p.Val450= (NM_001105.5, NM_001347663.1, NM_001347664.1 and 3 more transcripts); c.1350G>A (NM_001105.4).
Identifiers: ClinVar variation 2179590 (VCV002179590.6), dbSNP rs777678249, ClinGen allele CA1918969.

ClinVar aggregate classification (germline): Likely benign. Review status: criteria provided, single submitter (1 of 4 stars). 2 submissions from 2 submitters: Likely benign (1). 1 of the submissions does not count toward it. Last evaluated 2025-12-17.

Conditions:
ACVR1-related disorder. Also called: ACVR1-related condition.

Allele frequency attached by ClinVar (database versions not stated): gnomAD 0.00001; gnomAD exomes 0.00002; TOPMed 0.00003; ExAC 0.00005.
gnomAD v4.1: 12 of 1,613,810 alleles (0.00074%); highest among the groups gnomAD compares: Admixed American, 0.012%; no homozygotes.

Submissions (2):

Labcorp Genetics (formerly Invitae), Labcorp
Classification: Likely benign. Last evaluated: 2025-12-17. Review status: criteria provided, single submitter. Criteria: Invitae Variant Classification Sherloc (09022015). Collection method: clinical testing. Allele origin: germline.

PreventionGenetics, part of Exact Sciences
Classification: Likely benign for ACVR1-related condition. Last evaluated: 2019-03-06. Review status: no assertion criteria provided. Collection method: clinical testing. Allele origin: germline. Not counted in ClinVar's aggregate classification.
Comment: This variant is classified as likely benign based on ACMG/AMP sequence variant interpretation guidelines (Richards et al. 2015 PMID: 25741868, with internal and published modifications).